The following is an entry in ClinVar:

ClinVar aggregate classification (germline): Likely pathogenic (1 of 4 stars; one submission).

Conditions:
Early-infantile DEE. Also called: Early infantile epileptic encephalopathy with suppression bursts; Ohtahara syndrome; Early infantile epileptic encephalopathy. Identifiers: Orphanet 1934, MedGen C0393706, MONDO:0800491.

Submission:

Labcorp Genetics (formerly Invitae), Labcorp
Classification: Likely pathogenic for Early-infantile DEE. Last evaluated: 2022-07-05. Review status: criteria provided, single submitter. Criteria: Invitae Variant Classification Sherloc (09022015). Collection method: clinical testing. Allele origin: germline.
Comment: This variant is not present in population databases (gnomAD no frequency). This variant has not been reported in the literature in individuals affected with SCN1A-related conditions. ClinVar contains an entry for this variant (Variation ID: 1003488). Advanced modeling of protein sequence and biophysical properties (such as structural, functional, and spatial information, amino acid conservation, physicochemical variation, residue mobility, and thermodynamic stability) performed at Invitae indicates that this missense variant is expected to disrupt SCN1A protein function. This variant disrupts the p.Tyr388 amino acid residue in SCN1A. Other variant(s) that disrupt this residue have been determined to be pathogenic (PMID: 19464195). This suggests that this residue is clinically significant, and that variants that disrupt this residue are likely to be disease-causing. In summary, the currently available evidence indicates that the variant is pathogenic, but additional data are needed to prove that conclusively. Therefore, this variant has been classified as Likely Pathogenic. This sequence change replaces tyrosine, which is neutral and polar, with cysteine, which is neutral and slightly polar, at codon 388 of the SCN1A protein (p.Tyr388Cys).

Literature cited by the submitters: PubMed 19464195.

NM_001165963.4(SCN1A):c.1163A>G (p.Tyr388Cys)

Gene: SCN1A (sodium voltage-gated channel alpha subunit 1; minus strand). Cytogenetic location: 2q24.3.
Variant type: single nucleotide variant.
Coding change: c.1163A>G on transcript NM_001165963.4 (MANE Select); coding-DNA position 1163, A replaced by G.
Protein change: p.Tyr388Cys; replaces tyrosine 388 with cysteine.
Molecular consequence: missense variant. On other transcripts: 5 prime UTR variant (1), non-coding transcript variant (1).
Genome position (GRCh38, 1-based): chr2:166,047,634, T>C on the plus strand (A>G on the coding strand, the complement: SCN1A is on the minus strand). VCF-style: chr2-166047634-T-C. GRCh37 (hg19) VCF-style: chr2-166904144-T-C.
Other names: c.1163A>G, p.Tyr388Cys (NM_001165964.3, NM_001202435.3, NM_001353948.2 and 10 more transcripts); c.-1263A>G (NM_001353961.2); short protein forms Y388C.
Identifiers: ClinVar variation 1003488 (VCV001003488.11), dbSNP rs1697998080, ClinGen allele CA349071077.